The following is an entry in ClinVar:

ClinVar aggregate classification (germline): Uncertain significance (1 of 4 stars; one submission).

Conditions:
Progressive myoclonic epilepsy. Also called: Familial progressive myoclonic epilepsy; Myoclonic Epilepsies, Progressive; Progressive myoclonus epilepsy; Myoclonus epilepsy. Identifiers: Orphanet 308, Orphanet 98261, MedGen C0751778, MONDO:0020074.

Allele frequency attached by ClinVar (database versions not stated): TOPMed below 0.00001; gnomAD exomes below 0.00001.
gnomAD v4.1: 7 of 1,614,204 alleles (0.00043%); highest among the groups gnomAD compares: Non-Finnish European, 0.00059%; no homozygotes.

Submission:

Labcorp Genetics (formerly Invitae), Labcorp
Classification: Uncertain significance for Progressive myoclonic epilepsy. Last evaluated: 2020-04-24. Review status: criteria provided, single submitter. Criteria: Invitae Variant Classification Sherloc (09022015). Collection method: clinical testing. Allele origin: germline.
Comment: In summary, the available evidence is currently insufficient to determine the role of this variant in disease. Therefore, it has been classified as a Variant of Uncertain Significance. Algorithms developed to predict the effect of missense changes on protein structure and function do not agree on the potential impact of this missense change (SIFT: "Deleterious"; PolyPhen-2: "Possibly Damaging"; Align-GVGD: "Class C0"). This variant has not been reported in the literature in individuals with EPM2A-related disease. This variant is not present in population databases (ExAC no frequency). This sequence change replaces serine with proline at codon 327 of the EPM2A protein (p.Ser327Pro). The serine residue is moderately conserved and there is a moderate physicochemical difference between serine and proline.

NM_005670.4(EPM2A):c.979T>C (p.Ser327Pro)

Gene: EPM2A (EPM2A glucan phosphatase, laforin; minus strand). Cytogenetic location: 6q24.3.
Variant type: single nucleotide variant.
Coding change: c.979T>C on transcript NM_005670.4 (MANE Select); coding-DNA position 979, T replaced by C.
Protein change: p.Ser327Pro; replaces serine 327 with proline.
Molecular consequence: missense variant. On other transcripts: 3 prime UTR variant (1), non-coding transcript variant (1), intron variant (1).
Genome position (GRCh38, 1-based): chr6:145,627,433, A>G on the plus strand (T>C on the coding strand, the complement: EPM2A is on the minus strand). VCF-style: chr6-145627433-A-G. GRCh37 (hg19) VCF-style: chr6-145948569-A-G.
Other names: c.*62T>C (NM_001360057.2); c.565T>C, p.Ser189Pro (NM_001360064.2, NM_001360071.2, NM_001368131.1); c.517T>C, p.Ser173Pro (NM_001368129.2, NM_001368132.1); c.924+55T>C (NM_001018041.2); short protein forms S327P, S173P, S189P.
Identifiers: ClinVar variation 531798 (VCV000531798.8), dbSNP rs768781694, ClinGen allele CA149183250.